The following is an entry in ClinVar:

ClinVar aggregate classification (germline): Pathogenic (1 of 4 stars; one submission).

Conditions:
Mitochondrial trifunctional protein deficiency. Identifiers: Orphanet 746, MedGen C1969443, MONDO:0012172.
Long chain 3-hydroxyacyl-CoA dehydrogenase deficiency. Also called: Deficiency of long-chain 3-hydroxyacyl-coenzyme A dehydrogenase; LCHAD Deficiency. Identifiers: Orphanet 5, MedGen C3711645, MONDO:0012173, OMIM 609016.

Submission:

Labcorp Genetics (formerly Invitae), Labcorp
Classification: Pathogenic for Mitochondrial trifunctional protein deficiency; Long chain 3-hydroxyacyl-CoA dehydrogenase deficiency. Last evaluated: 2024-02-09. Review status: criteria provided, single submitter. Criteria: Invitae Variant Classification Sherloc (09022015). Collection method: clinical testing. Allele origin: germline.
Comment: This sequence change creates a premature translational stop signal (p.Arg630Leufs*14) in the HADHA gene. It is expected to result in an absent or disrupted protein product. Loss-of-function variants in HADHA are known to be pathogenic (PMID: 7738175, 21103935, 21549624, 22459206). This variant is not present in population databases (gnomAD no frequency). This variant has not been reported in the literature in individuals affected with HADHA-related conditions. For these reasons, this variant has been classified as Pathogenic.

Literature cited by the submitters: PubMed 7738175; PubMed 21103935; PubMed 21549624; PubMed 22459206.

NM_000182.5(HADHA):c.1889del (p.Arg630fs)

Genes: GAREM2 (GRB2 associated regulator of MAPK1 subtype 2; plus strand), HADHA (hydroxyacyl-CoA dehydrogenase trifunctional multienzyme complex subunit alpha; minus strand). Cytogenetic location: 2p23.3.
Variant type: Deletion.
Coding change: c.1889del on transcript NM_000182.5 (MANE Select); coding-DNA position 1889, one base deleted (G; older notation c.1889delG).
Protein change: p.Arg630fs; shifts the reading frame from arginine 630.
Molecular consequence: frameshift variant.
Genome position (GRCh38, 1-based): chr2:26,192,421, C deleted on the plus strand (G on the coding strand, the reverse complement: HADHA is on the minus strand). VCF-style (leftmost placement, unchanged base first): chr2-26192420-AC-A. GRCh37 (hg19) VCF-style: chr2-26415289-AC-A.
Other names: short protein forms R630fs.
Identifiers: ClinVar variation 3754541 (VCV003754541.2).